The following is an entry in ClinVar:

ClinVar aggregate classification (germline): Likely pathogenic (1 of 4 stars; one submission).

Submission:

Labcorp Genetics (formerly Invitae), Labcorp
Classification: Likely pathogenic. Last evaluated: 2021-01-21. Review status: criteria provided, single submitter. Criteria: Invitae Variant Classification Sherloc (09022015). Collection method: clinical testing. Allele origin: germline.
Comment: This variant is not present in population databases (ExAC no frequency). This variant results in the deletion of part of exon 4 (c.590-9_656delinsAGGG) of the CYP27B1 gene. It is expected to disrupt RNA splicing. Variants that disrupt the donor or acceptor splice site typically lead to a loss of protein function (PMID: 16199547), and loss-of-function variants in CYP27B1 are known to be pathogenic (PMID: 9837822, 17488797). This variant has not been reported in the literature in individuals with CYP27B1-related conditions. In summary, the currently available evidence indicates that the variant is pathogenic, but additional data are needed to prove that conclusively. Therefore, this variant has been classified as Likely Pathogenic. Algorithms developed to predict the effect of sequence changes on RNA splicing suggest that this variant may disrupt the consensus splice site, but this prediction has not been confirmed by published transcriptional studies.

Literature cited by the submitters: PubMed 16199547; PubMed 9837822; PubMed 17488797.

NM_000785.4(CYP27B1):c.590-9_656delinsAGGG

Gene: CYP27B1 (cytochrome P450 family 27 subfamily B member 1; minus strand). Cytogenetic location: 12q14.1.
Variant type: Indel.
Coding change: c.590-9_656delinsAGGG on transcript NM_000785.4 (MANE Select); 9 bases into the intron before coding-DNA position 590 through coding-DNA position 656, the reference bases replaced by AGGG.
Molecular consequence: splice acceptor variant.
Genome position (GRCh38, 1-based): chr12:57,765,145-57,765,220, 76 bases replaced. GRCh37 (hg19): chr12:58,158,928-58,159,003.
Identifiers: ClinVar variation 1488364 (VCV001488364.6), dbSNP rs2140396992, ClinGen allele CA2573148893.